The following is an entry in ClinVar:

NM_020975.6(RET):c.2088G>T (p.Ser696=)

Gene: RET (ret proto-oncogene; plus strand). Cytogenetic location: 10q11.21.
Variant type: single nucleotide variant.
Coding change: c.2088G>T on transcript NM_020975.6 (MANE Select); coding-DNA position 2088, G replaced by T.
Protein change: p.Ser696=; no amino-acid change (serine 696 retained).
Molecular consequence: synonymous variant.
Genome position (GRCh38, 1-based): chr10:43,114,688, G>T. VCF-style: chr10-43114688-G-T. GRCh37 (hg19) VCF-style: chr10-43610136-G-T.
Other names: c.2088G>T, p.Ser696= (NM_000323.2, NM_001406743.1, NM_001406744.1 and 4 more transcripts); c.1326G>T, p.Ser442= (NM_001355216.2); c.1959G>T, p.Ser653= (NM_001406761.1, NM_001406762.1, NM_001406764.1); c.1953G>T, p.Ser651= (NM_001406763.1, NM_001406765.1); c.1800G>T, p.Ser600= (NM_001406766.1, NM_001406767.1, NM_001406770.1); c.1824G>T, p.Ser608= (NM_001406768.1); c.1692G>T, p.Ser564= (NM_001406769.1, NM_001406772.1); c.1650G>T, p.Ser550= (NM_001406771.1, NM_001406773.1); and 10 more.
Identifiers: ClinVar variation 820691 (VCV000820691.15), dbSNP rs150329150, ClinGen allele CA469479978.

ClinVar aggregate classification (germline): Benign/Likely benign. Review status: criteria provided, multiple submitters, no conflicts (2 of 4 stars). 3 submissions from 3 submitters: Benign (1); Likely benign (2). Last evaluated 2025-02-26.

Conditions:
Multiple endocrine neoplasia, type 2 (MEN2). Identifiers: Orphanet 653, MedGen C4048306, MONDO:0019003. Disease mechanism: gain of function.
Hereditary cancer-predisposing syndrome. Also called: Neoplastic Syndromes, Hereditary; Tumor predisposition; Hereditary Cancer Syndrome; Hereditary neoplastic syndrome. Identifiers: Orphanet 140162, MedGen C0027672, MeSH D009386, MONDO:0015356.
Multiple endocrine neoplasia type 2A. Also called: MULTIPLE ENDOCRINE NEOPLASIA, TYPE IIA; PTC SYNDROME; SIPPLE SYNDROME; MEN 2A; MEN-2A syndrome; Pheochromocytoma and amyloid producing medullary thyroid carcinoma. Identifiers: Orphanet 247698, Orphanet 653, MedGen C0025268, MeSH D018813, MONDO:0008234, OMIM 171400.

gnomAD v4.1: 1 of 1,612,046 alleles (0.000062%); highest among the groups gnomAD compares: South Asian, 0.0011%; no homozygotes.

Submissions (3):

Myriad Genetics, Inc.
Classification: Benign for Multiple endocrine neoplasia type 2A. Last evaluated: 2025-02-26. Review status: criteria provided, single submitter. Criteria: Myriad Autosomal Dominant, Autosomal Recessive and X-Linked Classification Criteria (2023). Collection method: clinical testing. Allele origin: unknown.
Comment: This variant is considered benign. This variant is a silent/synonymous amino acid change and it is not expected to impact splicing.

Labcorp Genetics (formerly Invitae), Labcorp
Classification: Likely benign for Multiple endocrine neoplasia, type 2. Last evaluated: 2024-05-26. Review status: criteria provided, single submitter. Criteria: Invitae Variant Classification Sherloc (09022015). Collection method: clinical testing. Allele origin: germline.

Ambry Genetics
Classification: Likely benign for Hereditary cancer-predisposing syndrome. Last evaluated: 2019-08-12. Review status: criteria provided, single submitter. Criteria: Ambry Variant Classification Scheme 2023. Collection method: clinical testing. Allele origin: germline.